The following is an entry in ClinVar:

NM_000548.5(TSC2):c.2314G>A (p.Ala772Thr)

Gene: TSC2 (TSC complex subunit 2; plus strand). Cytogenetic location: 16p13.3.
Variant type: single nucleotide variant.
Coding change: c.2314G>A on transcript NM_000548.5 (MANE Select); coding-DNA position 2314, G replaced by A.
Protein change: p.Ala772Thr; replaces alanine 772 with threonine.
Molecular consequence: missense variant. On other transcripts: non-coding transcript variant (5).
Genome position (GRCh38, 1-based): chr16:2,072,942, G>A. VCF-style: chr16-2072942-G-A. GRCh37 (hg19) VCF-style: chr16-2122943-G-A.
Other names: c.2314G>A, p.Ala772Thr (NM_001077183.3, NM_001114382.3, NM_001363528.2 and 6 more transcripts); c.2203G>A, p.Ala735Thr (NM_001318827.2, NM_001406670.1, NM_001406678.1); c.2167G>A, p.Ala723Thr (NM_001318829.2, NM_001406675.1, NM_001406676.1 and 1 more transcripts); c.1714G>A, p.Ala572Thr (NM_001318831.2, NM_001406680.1, NM_001406682.1 and 6 more transcripts); c.2347G>A, p.Ala783Thr (NM_001318832.2); c.2404G>A, p.Ala802Thr (NM_001406667.1, NM_001406668.1); c.2302G>A, p.Ala768Thr (NM_001406671.1, NM_001406673.1); c.2257G>A, p.Ala753Thr (NM_001406677.1); and 3 more; short protein forms A572T, A723T, A735T, A753T, A772T, A783T, A618T, A768T.
Identifiers: ClinVar variation 3811333 (VCV003811333.2).

ClinVar aggregate classification (germline): Uncertain significance. Review status: criteria provided, multiple submitters, no conflicts (2 of 4 stars). 2 submissions from 2 submitters: Uncertain significance (2). Last evaluated 2025-01-14.

Conditions:
Hereditary cancer-predisposing syndrome. Also called: Tumor predisposition; Hereditary Cancer Syndrome; Hereditary neoplastic syndrome; Neoplastic Syndromes, Hereditary. Identifiers: Orphanet 140162, MedGen C0027672, MeSH D009386, MONDO:0015356.

gnomAD v4.1: 2 of 1,613,622 alleles (0.00012%); highest among the groups gnomAD compares: Non-Finnish European, 0.00017%; no homozygotes.

Submissions (2):

Ambry Genetics
Classification: Uncertain significance for Hereditary cancer-predisposing syndrome. Last evaluated: 2025-01-14. Review status: criteria provided, single submitter. Criteria: Ambry Variant Classification Scheme 2023. Collection method: clinical testing. Allele origin: germline.
Comment: The p.A772T variant (also known as c.2314G>A), located in coding exon 20 of the TSC2 gene, results from a G to A substitution at nucleotide position 2314. The alanine at codon 772 is replaced by threonine, an amino acid with similar properties. This amino acid position is highly conserved in available vertebrate species. In addition, this alteration is predicted to be deleterious by in silico analysis. Based on the available evidence, the clinical significance of this variant remains unclear.

Blueprint Genetics
Classification: Uncertain significance. Last evaluated: 2023-04-11. Review status: criteria provided, single submitter. Criteria: ACMG Guidelines, 2015. Collection method: clinical testing. Allele origin: germline.